The following is an entry in ClinVar:

ClinVar aggregate classification (germline): Pathogenic (1 of 4 stars; one submission).

Conditions:
Hereditary cancer-predisposing syndrome. Also called: Tumor predisposition; Neoplastic Syndromes, Hereditary; Hereditary neoplastic syndrome; Hereditary Cancer Syndrome. Identifiers: Orphanet 140162, MedGen C0027672, MeSH D009386, MONDO:0015356.

Submission:

Ambry Genetics
Classification: Pathogenic for Hereditary cancer-predisposing syndrome. Last evaluated: 2025-07-09. Review status: criteria provided, single submitter. Criteria: Ambry Variant Classification Scheme 2023. Collection method: clinical testing. Allele origin: germline.
Comment: The p.K187* pathogenic mutation (also known as c.559A>T), located in coding exon 3 of the MSH3 gene, results from an A to T substitution at nucleotide position 559. This changes the amino acid from a lysine to a stop codon within coding exon 3. This variant is considered to be rare based on population cohorts in the Genome Aggregation Database (gnomAD). This alteration is expected to result in loss of function by premature protein truncation or nonsense-mediated mRNA decay. As such, this alteration is interpreted as a disease-causing mutation.

NM_002439.5(MSH3):c.559A>T (p.Lys187Ter)

Gene: MSH3 (mutS homolog 3; plus strand). Cytogenetic location: 5q14.1.
Variant type: single nucleotide variant.
Coding change: c.559A>T on transcript NM_002439.5 (MANE Select); coding-DNA position 559, A replaced by T.
Protein change: p.Lys187Ter; replaces lysine 187 with a stop codon.
Molecular consequence: nonsense.
Genome position (GRCh38, 1-based): chr5:80,665,343, A>T. VCF-style: chr5-80665343-A-T. GRCh37 (hg19) VCF-style: chr5-79961162-A-T.
Other names: short protein forms K187*.
Identifiers: ClinVar variation 4111085 (VCV004111085.1).
Genomic context (GRCh38, chr5:80,665,343, plus strand): 5'-ACTGATTTTGATGATATCAGTCTTCTACACGCAAAGAATGCAGTTTCTTCTGAAGATTCG[A>T]AACGTCAAATTAATCAAAAGGTATGTAACTGCTATAGATGAGTATCCAGTTACCTAGAAT-3'